The following is an entry in ClinVar:

NM_001379081.2(FREM1):c.828+5A>C

Gene: FREM1 (FRAS1 related extracellular matrix 1; minus strand). Cytogenetic location: 9p22.3.
Variant type: single nucleotide variant.
Coding change: c.828+5A>C on transcript NM_001379081.2 (MANE Select); 5 bases into the intron after coding-DNA position 828, A replaced by C.
Molecular consequence: intron variant.
Genome position (GRCh38, 1-based): chr9:14,857,548, T>G on the plus strand (A>C on the coding strand, the complement: FREM1 is on the minus strand). VCF-style: chr9-14857548-T-G. GRCh37 (hg19) VCF-style: chr9-14857546-T-G.
Other names: c.828+5A>C (NM_144966.7, NM_001370065.1, NM_001370063.1); c.855+5A>C (NM_001370060.1).
Identifiers: ClinVar variation 2659086 (VCV002659086.24), dbSNP rs2538840770, ClinGen allele CA2695201541.
Genomic context (GRCh38, chr9:14,857,548, plus strand): 5'-AGCCTGTGTAACTGGCTCTCTTACTGTGAATCCTGGGGGCACCCACACATAACCCCAAAC[T>G]CTACCTTGTACACAATTTTGCTCCTGGTATCTGTGAGGTCCAGTTGGATGGAGATATAAT-3'

ClinVar aggregate classification (germline): Uncertain significance (1 of 4 stars; one submission).

Submission:

CeGaT Center for Human Genetics Tuebingen
Classification: Uncertain significance. Last evaluated: 2022-07-01. Review status: criteria provided, single submitter. Criteria: CeGaT Center For Human Genetics Tuebingen Variant Classification Criteria Version 2. Collection method: clinical testing. Allele origin: germline. Affected: yes. Observed: 1 variant allele.
Comment: FREM1: PM2, BP4